The following is an entry in ClinVar:

NM_014915.3(ANKRD26):c.3049A>C (p.Ile1017Leu)

Gene: ANKRD26 (ankyrin repeat domain containing 26; minus strand). Cytogenetic location: 10p12.1.
Variant type: single nucleotide variant.
Coding change: c.3049A>C on transcript NM_014915.3 (MANE Select); coding-DNA position 3049, A replaced by C.
Protein change: p.Ile1017Leu; replaces isoleucine 1017 with leucine.
Molecular consequence: missense variant.
Genome position (GRCh38, 1-based): chr10:27,035,401, T>G on the plus strand (A>C on the coding strand, the complement: ANKRD26 is on the minus strand). VCF-style: chr10-27035401-T-G. GRCh37 (hg19) VCF-style: chr10-27324330-T-G.
Other names: c.3046A>C, p.Ile1016Leu (NM_001256053.2); short protein forms I1016L, I1017L.
Identifiers: ClinVar variation 3870725 (VCV003870725.1).

ClinVar aggregate classification (germline): Uncertain significance (1 of 4 stars; one submission).

Conditions:
Inborn genetic diseases. Identifiers: MedGen C0950123, MeSH D030342.

Submission:

Ambry Genetics
Classification: Uncertain significance for Inborn genetic diseases. Last evaluated: 2025-01-23. Review status: criteria provided, single submitter. Criteria: Ambry Variant Classification Scheme 2023. Collection method: clinical testing. Allele origin: germline.
Comment: The p.I1017L variant (also known as c.3049A>C), located in coding exon 24 of the ANKRD26 gene, results from an A to C substitution at nucleotide position 3049. The isoleucine at codon 1017 is replaced by leucine, an amino acid with highly similar properties. This amino acid position is conserved. In addition, this alteration is predicted to be tolerated by in silico analysis. Based on the available evidence, the clinical significance of this variant remains unclear.